The following is an entry in ClinVar:

ClinVar aggregate classification (germline): Benign. Review status: criteria provided, multiple submitters, no conflicts (2 of 4 stars). 3 submissions from 3 submitters: Benign (3). Last evaluated 2018-01-12.

Conditions:
Arginine:glycine amidinotransferase deficiency (CCDS3). Also called: L-Arginine:Glycine Amidinotransferase Deficiency; L-Arginine:Glycine Amidinotransferase (AGAT) Deficiency; AGAT deficiency; Creatine deficiency syndrome due to AGAT deficiency; GATM deficiency; Cerebral creatine deficiency syndrome 3. Identifiers: Orphanet 35704, MedGen C2675179, MONDO:0012996, OMIM 612718.

Allele frequency attached by ClinVar (database versions not stated): TOPMed 0.13395; 1000 Genomes Project 0.14377; 1000 Genomes Project 30x 0.15365; gnomAD exomes 0.01851; ExAC 0.07742; ESP Exome Variant Server 0.07293; gnomAD 0.11642.
gnomAD v4.1: 33,946 of 1,393,912 alleles (2.4%); highest among the groups gnomAD compares: African/African-American, 42%; 6,208 homozygotes.

Submissions (3):

Illumina Laboratory Services, Illumina
Classification: Benign for Arginine:glycine amidinotransferase deficiency. Last evaluated: 2018-01-12. Review status: criteria provided, single submitter. Criteria: ICSL Variant Classification Criteria 13 December 2019. Collection method: clinical testing. Allele origin: germline.
Comment: This variant was observed in the ICSL laboratory as part of a predisposition screen in an ostensibly healthy population. It had not been previously curated by ICSL or reported in the Human Gene Mutation Database (HGMD: prior to June 1st, 2018), and was therefore a candidate for classification through an automated scoring system. Utilizing variant allele frequency, disease prevalence and penetrance estimates, and inheritance mode, an automated score was calculated to assess if this variant is too frequent to cause the disease. Based on the score and internal cut-off values, a variant classified as benign is not then subjected to further curation. The score for this variant resulted in a classification of benign for this disease.

GeneDx
Classification: Benign. Last evaluated: 2012-03-22. Review status: criteria provided, single submitter. Criteria: GeneDx Variant Classification (06012015). Collection method: clinical testing. Allele origin: germline. Affected: yes.
Comment: This variant is considered likely benign or benign based on one or more of the following criteria: it is a conservative change, it occurs at a poorly conserved position in the protein, it is predicted to be benign by multiple in silico algorithms, and/or has population frequency not consistent with disease.

Breakthrough Genomics
Classification: Benign. Review status: criteria provided, single submitter. Criteria: ACMG Guidelines, 2015. Collection method: not provided. Allele origin: germline. Inheritance: Autosomal recessive inheritance. Affected: yes.

NM_001482.3(GATM):c.-30T>G

Genes: GATM (glycine amidinotransferase; minus strand), LOC130056991 (ATAC-STARR-seq lymphoblastoid silent region 6406; plus strand). Cytogenetic location: 15q21.1.
Variant type: single nucleotide variant.
Coding change: c.-30T>G on transcript NM_001482.3 (MANE Select); 30 bases upstream of the start codon, T replaced by G.
Molecular consequence: 5 prime UTR variant. On other transcripts: intron variant (1).
Genome position (GRCh38, 1-based): chr15:45,378,483, A>C on the plus strand (T>G on the coding strand, the complement: GATM is on the minus strand). VCF-style: chr15-45378483-A-C. GRCh37 (hg19) VCF-style: chr15-45670681-A-C.
Other names: c.-318-1664T>G (NM_001321015.2).
Identifiers: ClinVar variation 137452 (VCV000137452.6), dbSNP rs8024550, ClinGen allele CA291043.
Genomic context (GRCh38, chr15:45,378,483, plus strand): 5'-TCCCGCCGCGCAGACACCGCACCCGCAGCATCGCCCTGGCCCGGCTGGTCCACGCGCGGA[A>C]TGTTCCTGGCCTCTGGGCCGCGTCGGTCCAAGCCTTCCCGAGAGCGCGCCCGGAGCGGGG-3'